The following is an entry in ClinVar:

ClinVar aggregate classification (germline): Uncertain significance (1 of 4 stars; one submission).

Allele frequency attached by ClinVar (database versions not stated): TOPMed 0.00001; gnomAD 0.00001.
gnomAD v4.1: 4 of 1,382,932 alleles (0.00029%); highest among the groups gnomAD compares: Non-Finnish European, 0.00037%; no homozygotes.

Submission:

GeneDx
Classification: Uncertain significance. Last evaluated: 2026-09-22. Review status: criteria provided, single submitter. Criteria: GeneDx Variant Classification Process June 2021. Collection method: clinical testing. Allele origin: germline.
Comment: Not observed at significant frequency in large population cohorts (gnomAD); In silico analysis suggests that this missense variant does not alter protein structure/function; Has not been previously published as pathogenic or benign to our knowledge

NM_006593.4(TBR1):c.1723A>C (p.Met575Leu)

Gene: TBR1 (T-box brain transcription factor 1; plus strand). Cytogenetic location: 2q24.2.
Variant type: single nucleotide variant.
Coding change: c.1723A>C on transcript NM_006593.4 (MANE Select); coding-DNA position 1723, A replaced by C.
Protein change: p.Met575Leu; replaces methionine 575 with leucine.
Molecular consequence: missense variant.
Genome position (GRCh38, 1-based): chr2:161,423,901, A>C. VCF-style: chr2-161423901-A-C. GRCh37 (hg19) VCF-style: chr2-162280412-A-C.
Other names: short protein forms M575L.
Identifiers: ClinVar variation 1712710 (VCV001712710.4), dbSNP rs1327216554, ClinGen allele CA349214319.